The following is an entry in ClinVar:

ClinVar aggregate classification (germline): Uncertain significance (1 of 4 stars; one submission).

gnomAD v4.1: 14 of 1,613,840 alleles (0.00087%); highest among the groups gnomAD compares: African/African-American, 0.0027%; no homozygotes.

Submission:

GeneDx
Classification: Uncertain significance. Last evaluated: 2024-11-01. Review status: criteria provided, single submitter. Criteria: GeneDx Variant Classification Process June 2021. Collection method: clinical testing. Allele origin: germline. Affected: yes.
Comment: Not observed at significant frequency in large population cohorts (gnomAD); In silico analysis supports that this missense variant has a deleterious effect on protein structure/function; Has not been previously published as pathogenic or benign to our knowledge

NM_005245.4(FAT1):c.10739A>G (p.Tyr3580Cys)

Genes: FAT1 (FAT atypical cadherin 1; minus strand), LOC126807254 (BRD4-independent group 4 enhancer GRCh37_chr4:187524269-187525468; plus strand). Cytogenetic location: 4q35.2.
Variant type: single nucleotide variant.
Coding change: c.10739A>G on transcript NM_005245.4 (MANE Select); coding-DNA position 10739, A replaced by G.
Protein change: p.Tyr3580Cys; replaces tyrosine 3580 with cysteine.
Molecular consequence: missense variant.
Genome position (GRCh38, 1-based): chr4:186,603,787, T>C on the plus strand (A>G on the coding strand, the complement: FAT1 is on the minus strand). VCF-style: chr4-186603787-T-C. GRCh37 (hg19) VCF-style: chr4-187524941-T-C.
Other names: short protein forms Y3580C.
Identifiers: ClinVar variation 3897102 (VCV003897102.1).